The following is an entry in ClinVar:

NM_152415.3(VPS37A):c.1191A>G (p.Leu397=)

Gene: VPS37A (VPS37A subunit of ESCRT-I; plus strand). Cytogenetic location: 8p22.
Variant type: single nucleotide variant.
Coding change: c.1191A>G on transcript NM_152415.3 (MANE Select); coding-DNA position 1191, A replaced by G.
Protein change: p.Leu397=; no amino-acid change (leucine 397 retained).
Molecular consequence: synonymous variant.
Genome position (GRCh38, 1-based): chr8:17,286,424, A>G. VCF-style: chr8-17286424-A-G. GRCh37 (hg19) VCF-style: chr8-17143933-A-G.
Other names: c.1116A>G, p.Leu372= (NM_001145152.2); c.1173A>G, p.Leu391= (NM_001363167.1); c.921A>G, p.Leu307= (NM_001363168.1, NM_001363169.1); c.903A>G, p.Leu301= (NM_001363170.1, NM_001363171.1, NM_001363172.2); c.1191A>G, p.Leu397= (NM_001363173.2).
Identifiers: ClinVar variation 2878346 (VCV002878346.4), dbSNP rs761357127, ClinGen allele CA4643648.

ClinVar aggregate classification (germline): Uncertain significance (1 of 4 stars; one submission).

Conditions:
Hereditary spastic paraplegia 53. Also called: Spastic paraplegia 53, autosomal recessive. Identifiers: Orphanet 319199, MedGen C3539494, MONDO:0013962, OMIM 614898.

Allele frequency attached by ClinVar (database versions not stated): ExAC 0.00001; gnomAD 0.00001; gnomAD exomes 0.00004; TOPMed 0.00004.
gnomAD v4.1: 66 of 1,612,980 alleles (0.0041%); highest among the groups gnomAD compares: Non-Finnish European, 0.0053%; no homozygotes.

Submissions (2):

Labcorp Genetics (formerly Invitae), Labcorp
Classification: Uncertain significance for Hereditary spastic paraplegia 53. Last evaluated: 2022-11-03. Review status: criteria provided, single submitter. Criteria: Invitae Variant Classification Sherloc (09022015). Collection method: clinical testing. Allele origin: germline.
Comment: This variant has not been reported in the literature in individuals affected with VPS37A-related conditions. In summary, the available evidence is currently insufficient to determine the role of this variant in disease. Therefore, it has been classified as a Variant of Uncertain Significance. Algorithms developed to predict the effect of sequence changes on RNA splicing suggest that this variant may create or strengthen a splice site. This variant is present in population databases (rs761357127, gnomAD 0.006%). This sequence change affects codon 397 of the VPS37A mRNA. It is a 'silent' change, meaning that it does not change the encoded amino acid sequence of the VPS37A protein.

Dr. Peter K. Rogan Lab, Western University
No classification provided (evidence only). Condition: Familial cancer of breast. Review status: no classification provided. Collection method: in vitro. Allele origin: not applicable. Functional consequence: retained intron. Not counted in ClinVar's aggregate classification.